The following is an entry in ClinVar:

ClinVar aggregate classification (germline): Uncertain significance (1 of 4 stars; one submission).

Submission:

Labcorp Genetics (formerly Invitae), Labcorp
Classification: Uncertain significance. Last evaluated: 2025-03-31. Review status: criteria provided, single submitter. Criteria: Invitae Variant Classification Sherloc (09022015). Collection method: clinical testing. Allele origin: germline.
Comment: This sequence change falls in intron 17 of the TUBGCP4 gene. It does not directly change the encoded amino acid sequence of the TUBGCP4 protein. This variant is not present in population databases (gnomAD no frequency). This variant has not been reported in the literature in individuals affected with TUBGCP4-related conditions. ClinVar contains an entry for this variant (Variation ID: 1410082). Algorithms developed to predict the effect of sequence changes on RNA splicing suggest that this variant may disrupt the consensus splice site. In summary, the available evidence is currently insufficient to determine the role of this variant in disease. Therefore, it has been classified as a Variant of Uncertain Significance.

NM_014444.5(TUBGCP4):c.1989-12_1989-5del

Genes: TP53BP1 (tumor protein p53 binding protein 1; minus strand), TUBGCP4 (tubulin gamma complex component 4; plus strand). Cytogenetic location: 15q15.3.
Variant type: Deletion.
Coding change: c.1989-12_1989-5del on transcript NM_014444.5 (MANE Select); 12 bases into the intron before coding-DNA position 1989 through 5 bases into the intron before coding-DNA position 1989, 8 bases deleted (TCTCTTTT; older notation c.1989-12_1989-5delTCTCTTTT).
Molecular consequence: intron variant. On other transcripts: 3 prime UTR variant (5).
Genome position (GRCh38, 1-based): chr15:43,405,190-43,405,197, TCTCTTTT deleted; deleting any 8 consecutive bases within chr15:43,405,183-43,405,197 gives the same sequence; the c. name uses the placement nearest the transcript's 3' end. VCF-style (leftmost placement, unchanged base first): chr15-43405182-GCTCTTTTT-G. GRCh37 (hg19) VCF-style: chr15-43697380-GCTCTTTTT-G.
Other names: c.*2193_*2200del (NM_001141979.3, NM_001141980.3, NM_001355001.2 and 2 more transcripts); c.1992-12_1992-5del (NM_001286414.3).
Identifiers: ClinVar variation 1410082 (VCV001410082.6), dbSNP rs2142906931, ClinGen allele CA2573150738.